The following is an entry in ClinVar:

NM_001457.4(FLNB):c.3803C>A (p.Ala1268Asp)

Gene: FLNB (filamin B; plus strand). Cytogenetic location: 3p14.3.
Variant type: single nucleotide variant.
Coding change: c.3803C>A on transcript NM_001457.4 (MANE Select); coding-DNA position 3803, C replaced by A.
Protein change: p.Ala1268Asp; replaces alanine 1268 with aspartic acid.
Molecular consequence: missense variant.
Genome position (GRCh38, 1-based): chr3:58,124,410, C>A. VCF-style: chr3-58124410-C-A. GRCh37 (hg19) VCF-style: chr3-58110137-C-A.
Other names: c.3803C>A, p.Ala1268Asp (NM_001164317.2, NM_001164318.2, NM_001164319.2); short protein forms A1268D.
Identifiers: ClinVar variation 3635724 (VCV003635724.2).
Genomic context (GRCh38, chr3:58,124,410, plus strand): 5'-CCACCGACTTTACAGTTGACTCTCGGCCGCTGACCCAGGTTGGGGGTGACCACATCAAGG[C>A]CCACATTGCCAACCCCTCAGGGGCCTCCACCGAGTGCTTTGTCACAGACAATGCGGATGG-3'
Protein context (NP_001448.2, residues 1258-1278): LTQVGGDHIK[Ala1268Asp]HIANPSGAST

ClinVar aggregate classification (germline): Uncertain significance (1 of 4 stars; one submission).

gnomAD v4.1: 1 of 1,614,238 alleles (0.000062%); highest among the groups gnomAD compares: Admixed American, 0.0017%; no homozygotes.

Submission:

Labcorp Genetics (formerly Invitae), Labcorp
Classification: Uncertain significance. Last evaluated: 2024-02-23. Review status: criteria provided, single submitter. Criteria: Invitae Variant Classification Sherloc (09022015). Collection method: clinical testing. Allele origin: germline.
Comment: This sequence change replaces alanine, which is neutral and non-polar, with aspartic acid, which is acidic and polar, at codon 1268 of the FLNB protein (p.Ala1268Asp). This variant is present in population databases (no rsID available, gnomAD 0.003%). This variant has not been reported in the literature in individuals affected with FLNB-related conditions. Advanced modeling of protein sequence and biophysical properties (such as structural, functional, and spatial information, amino acid conservation, physicochemical variation, residue mobility, and thermodynamic stability) performed at Invitae indicates that this missense variant is not expected to disrupt FLNB protein function with a negative predictive value of 95%. In summary, the available evidence is currently insufficient to determine the role of this variant in disease. Therefore, it has been classified as a Variant of Uncertain Significance.